The following is an entry in ClinVar:

NM_001035.3(RYR2):c.*218T>G

Gene: RYR2 (ryanodine receptor 2; plus strand). Cytogenetic location: 1q43.
Variant type: single nucleotide variant.
Coding change: c.*218T>G on transcript NM_001035.3 (MANE Select); 218 bases downstream of the stop codon, T replaced by G.
Molecular consequence: 3 prime UTR variant.
Genome position (GRCh38, 1-based): chr1:237,832,865, T>G. VCF-style: chr1-237832865-T-G. GRCh37 (hg19) VCF-style: chr1-237996165-T-G.
Identifiers: ClinVar variation 874008 (VCV000874008.4), dbSNP rs373132792, ClinGen allele CA39835329.
Genomic context (GRCh38, chr1:237,832,865, plus strand): 5'-TCCCCCCACCTTTTGTATTTACTTTGAGACTAAAGACTGAAGAATAATCTAAATTCATAC[T>G]CAGACAAAAAAAGGAATTCTGGAAAGAAAACCATTCTGGACACTGTCATAACACACATAG-3'

ClinVar aggregate classification (germline): Benign/Likely benign. Review status: criteria provided, single submitter (1 of 4 stars). 2 submissions from 1 submitter: Benign (1); Likely benign (1). Last evaluated 2018-01-12.

Conditions:
Catecholaminergic polymorphic ventricular tachycardia 1. Also called: RYR2-Related Catecholaminergic Polymorphic Ventricular Tachycardia; VENTRICULAR TACHYCARDIA, CATECHOLAMINERGIC POLYMORPHIC, 1, WITH OR WITHOUT ATRIAL DYSFUNCTION AND/OR DILATED CARDIOMYOPATHY; VENTRICULAR TACHYCARDIA, STRESS-INDUCED POLYMORPHIC 1. Identifiers: Orphanet 3286, MedGen C1631597, MONDO:0011484, OMIM 604772.
Arrhythmogenic right ventricular dysplasia 2. Identifiers: MedGen C1832931.

Allele frequency attached by ClinVar (database versions not stated): gnomAD 0.00004 and 0.00066; TOPMed 0.00014; 1000 Genomes Project 0.00479; 1000 Genomes Project 30x 0.00500.
gnomAD v4.1: 467 of 416,874 alleles (0.11%); highest among the groups gnomAD compares: South Asian, 2%; 15 homozygotes.

Submissions (2):

Illumina Laboratory Services, Illumina
Classification: Likely benign for Catecholaminergic polymorphic ventricular tachycardia 1. Last evaluated: 2018-01-12. Review status: criteria provided, single submitter. Criteria: ICSL Variant Classification Criteria 13 December 2019. Collection method: clinical testing. Allele origin: germline.
Comment: This variant was observed in the ICSL laboratory as part of a predisposition screen in an ostensibly healthy population. It had not been previously curated by ICSL or reported in the Human Gene Mutation Database (HGMD: prior to June 1st, 2018), and was therefore a candidate for classification through an automated scoring system. Utilizing variant allele frequency, disease prevalence and penetrance estimates, and inheritance mode, an automated score was calculated to assess if this variant is too frequent to cause the disease. Based on the score and internal cut-off values, a variant classified as likely benign is not then subjected to further curation. The score for this variant resulted in a classification of likely benign for this disease.

Illumina Laboratory Services, Illumina
Classification: Benign for Catecholaminergic polymorphic ventricular tachycardia 1. Last evaluated: 2018-01-12. Review status: criteria provided, single submitter. Criteria: ICSL Variant Classification Criteria 13 December 2019. Collection method: clinical testing. Allele origin: germline.
Comment: This variant was observed in the ICSL laboratory as part of a predisposition screen in an ostensibly healthy population. It had not been previously curated by ICSL or reported in the Human Gene Mutation Database (HGMD: prior to June 1st, 2018), and was therefore a candidate for classification through an automated scoring system. Utilizing variant allele frequency, disease prevalence and penetrance estimates, and inheritance mode, an automated score was calculated to assess if this variant is too frequent to cause the disease. Based on the score and internal cut-off values, a variant classified as benign is not then subjected to further curation. The score for this variant resulted in a classification of benign for this disease.